The following is an entry in ClinVar:

NM_022829.6(SLC13A3):c.950G>C (p.Arg317Thr)

Gene: SLC13A3 (solute carrier family 13 member 3; minus strand). Cytogenetic location: 20q13.12.
Variant type: single nucleotide variant.
Coding change: c.950G>C on transcript NM_022829.6 (MANE Select); coding-DNA position 950, G replaced by C.
Protein change: p.Arg317Thr; replaces arginine 317 with threonine.
Molecular consequence: missense variant.
Genome position (GRCh38, 1-based): chr20:46,589,226, C>G on the plus strand (G>C on the coding strand, the complement: SLC13A3 is on the minus strand). VCF-style: chr20-46589226-C-G. GRCh37 (hg19) VCF-style: chr20-45217865-C-G.
Other names: c.809G>C, p.Arg270Thr (NM_001011554.3, NM_001193340.2); c.800G>C, p.Arg267Thr (NM_001193339.2); c.656G>C, p.Arg219Thr (NM_001193342.2); c.950G>C (NM_022829.5); short protein forms R317T, R267T, R270T, R219T.
Identifiers: ClinVar variation 2041622 (VCV002041622.5), dbSNP rs1175587981, ClinGen allele CA409264054.

ClinVar aggregate classification (germline): Uncertain significance. Review status: criteria provided, multiple submitters, no conflicts (2 of 4 stars). 2 submissions from 2 submitters: Uncertain significance (2). Last evaluated 2025-08-12.

Submissions (2):

Ambry Genetics
Classification: Uncertain significance. Last evaluated: 2025-08-12. Review status: criteria provided, single submitter. Criteria: Ambry Variant Classification Scheme 2023. Collection method: clinical testing. Allele origin: germline.

Labcorp Genetics (formerly Invitae), Labcorp
Classification: Uncertain significance. Last evaluated: 2022-11-01. Review status: criteria provided, single submitter. Criteria: Invitae Variant Classification Sherloc (09022015). Collection method: clinical testing. Allele origin: germline.
Comment: This sequence change replaces arginine, which is basic and polar, with threonine, which is neutral and polar, at codon 317 of the SLC13A3 protein (p.Arg317Thr). This variant is not present in population databases (gnomAD no frequency). In summary, the available evidence is currently insufficient to determine the role of this variant in disease. Therefore, it has been classified as a Variant of Uncertain Significance. Algorithms developed to predict the effect of missense changes on protein structure and function (SIFT, PolyPhen-2, Align-GVGD) all suggest that this variant is likely to be tolerated. This variant has not been reported in the literature in individuals affected with SLC13A3-related conditions.